The following is an entry in ClinVar:

NM_001379286.1(ZNF423):c.2848G>C (p.Glu950Gln)

Gene: ZNF423 (zinc finger protein 423; minus strand). Cytogenetic location: 16q12.1.
Variant type: single nucleotide variant.
Coding change: c.2848G>C on transcript NM_001379286.1 (MANE Select); coding-DNA position 2848, G replaced by C.
Protein change: p.Glu950Gln; replaces glutamic acid 950 with glutamine.
Molecular consequence: missense variant.
Genome position (GRCh38, 1-based): chr16:49,636,328, C>G on the plus strand (G>C on the coding strand, the complement: ZNF423 is on the minus strand). VCF-style: chr16-49636328-C-G. GRCh37 (hg19) VCF-style: chr16-49670239-C-G.
Other names: c.2644G>C, p.Glu882Gln (NM_001271620.2); c.2473G>C, p.Glu825Gln (NM_001330533.2); c.2824G>C, p.Glu942Gln (NM_015069.5); short protein forms E825Q, E882Q, E942Q, E950Q.
Identifiers: ClinVar variation 1010382 (VCV001010382.8), dbSNP rs1555514900, ClinGen allele CA395841246.

ClinVar aggregate classification (germline): Uncertain significance. Review status: criteria provided, multiple submitters, no conflicts (2 of 4 stars). 2 submissions from 2 submitters: Uncertain significance (2). Last evaluated 2022-10-13.

Conditions:
Nephronophthisis 14 (NPHP14). Identifiers: Orphanet 2318, MedGen C3539071, MONDO:0013916, OMIM 614844.

Submissions (2):

Blueprint Genetics
Classification: Uncertain significance. Last evaluated: 2022-10-13. Review status: criteria provided, single submitter. Criteria: ACMG Guidelines, 2015. Collection method: clinical testing. Allele origin: germline.

Labcorp Genetics (formerly Invitae), Labcorp
Classification: Uncertain significance for Nephronophthisis 14. Last evaluated: 2022-08-31. Review status: criteria provided, single submitter. Criteria: Invitae Variant Classification Sherloc (09022015). Collection method: clinical testing. Allele origin: germline.
Comment: This sequence change replaces glutamic acid, which is acidic and polar, with glutamine, which is neutral and polar, at codon 942 of the ZNF423 protein (p.Glu942Gln). This variant is not present in population databases (gnomAD no frequency). This variant has not been reported in the literature in individuals affected with ZNF423-related conditions. ClinVar contains an entry for this variant (Variation ID: 1010382). Algorithms developed to predict the effect of missense changes on protein structure and function are either unavailable or do not agree on the potential impact of this missense change (SIFT: "Tolerated"; PolyPhen-2: "Possibly Damaging"; Align-GVGD: "Class C0"). In summary, the available evidence is currently insufficient to determine the role of this variant in disease. Therefore, it has been classified as a Variant of Uncertain Significance.